The following is an entry in ClinVar:

ClinVar aggregate classification (germline): Benign. Review status: criteria provided, multiple submitters, no conflicts (2 of 4 stars). 2 submissions from 2 submitters: Benign (2). Last evaluated 2018-01-13.

Conditions:
Giant axonal neuropathy 1 (GAN1). Also called: GAN-Related Neurodegeneration; GIANT AXONAL NEUROPATHY 1, AUTOSOMAL RECESSIVE. Identifiers: Orphanet 643, MedGen C1850386, MONDO:0009749, OMIM 256850.

Allele frequency attached by ClinVar (database versions not stated): gnomAD 0.59860 and 0.60178; TOPMed 0.61731; gnomAD exomes 0.62147; 1000 Genomes Project 0.64177; 1000 Genomes Project 30x 0.64241.
gnomAD v4.1: 93,390 of 155,016 alleles (60%); highest among the groups gnomAD compares: East Asian, 75%; 28,279 homozygotes.

Submissions (2):

Illumina Laboratory Services, Illumina
Classification: Benign for Giant axonal neuropathy 1. Last evaluated: 2018-01-13. Review status: criteria provided, single submitter. Criteria: ICSL Variant Classification Criteria 13 December 2019. Collection method: clinical testing. Allele origin: germline.
Comment: This variant was observed in the ICSL laboratory as part of a predisposition screen in an ostensibly healthy population. It had not been previously curated by ICSL or reported in the Human Gene Mutation Database (HGMD: prior to June 1st, 2018), and was therefore a candidate for classification through an automated scoring system. Utilizing variant allele frequency, disease prevalence and penetrance estimates, and inheritance mode, an automated score was calculated to assess if this variant is too frequent to cause the disease. Based on the score and internal cut-off values, a variant classified as benign is not then subjected to further curation. The score for this variant resulted in a classification of benign for this disease.

Breakthrough Genomics
Classification: Benign. Review status: criteria provided, single submitter. Criteria: ACMG Guidelines, 2015. Collection method: not provided. Allele origin: germline. Inheritance: Autosomal recessive inheritance. Affected: yes.

NM_022041.4(GAN):c.*592T>A

Gene: GAN (gigaxonin; plus strand). Cytogenetic location: 16q23.2.
Variant type: single nucleotide variant.
Coding change: c.*592T>A on transcript NM_022041.4 (MANE Select); 592 bases downstream of the stop codon, T replaced by A.
Molecular consequence: 3 prime UTR variant.
Genome position (GRCh38, 1-based): chr16:81,378,188, T>A. VCF-style: chr16-81378188-T-A. GRCh37 (hg19) VCF-style: chr16-81411793-T-A.
Other names: c.*592T>A (NM_001377486.1).
Identifiers: ClinVar variation 320678 (VCV000320678.6), dbSNP rs1345895, ClinGen allele CA10648124.